The following is an entry in ClinVar:

NM_004380.3(CREBBP):c.515G>T (p.Gly172Val)

Gene: CREBBP (CREB binding lysine acetyltransferase; minus strand). Cytogenetic location: 16p13.3.
Variant type: single nucleotide variant.
Coding change: c.515G>T on transcript NM_004380.3 (MANE Select); coding-DNA position 515, G replaced by T.
Protein change: p.Gly172Val; replaces glycine 172 with valine.
Molecular consequence: missense variant.
Genome position (GRCh38, 1-based): chr16:3,850,580, C>A on the plus strand (G>T on the coding strand, the complement: CREBBP is on the minus strand). VCF-style: chr16-3850580-C-A. GRCh37 (hg19) VCF-style: chr16-3900581-C-A.
Other names: c.515G>T, p.Gly172Val (NM_001079846.1); short protein forms G172V.
Identifiers: ClinVar variation 2789863 (VCV002789863.3), dbSNP rs772655917, ClinGen allele CA394560787.

ClinVar aggregate classification (germline): Uncertain significance (1 of 4 stars; one submission).

Conditions:
Rubinstein-Taybi syndrome (RSTS). Identifiers: Orphanet 783, MedGen C0035934, MONDO:0019188.

gnomAD v4.1: 1 of 1,614,246 alleles (0.000062%); highest among the groups gnomAD compares: African/African-American, 0.0013%; no homozygotes.

Submission:

Labcorp Genetics (formerly Invitae), Labcorp
Classification: Uncertain significance for Rubinstein-Taybi syndrome. Last evaluated: 2023-11-08. Review status: criteria provided, single submitter. Criteria: Invitae Variant Classification Sherloc (09022015). Collection method: clinical testing. Allele origin: germline.
Comment: This sequence change replaces glycine, which is neutral and non-polar, with valine, which is neutral and non-polar, at codon 172 of the CREBBP protein (p.Gly172Val). This variant is not present in population databases (gnomAD no frequency). This variant has not been reported in the literature in individuals affected with CREBBP-related conditions. Advanced modeling of protein sequence and biophysical properties (such as structural, functional, and spatial information, amino acid conservation, physicochemical variation, residue mobility, and thermodynamic stability) has been performed at Invitae for this missense variant, however the output from this modeling did not meet the statistical confidence thresholds required to predict the impact of this variant on CREBBP protein function. In summary, the available evidence is currently insufficient to determine the role of this variant in disease. Therefore, it has been classified as a Variant of Uncertain Significance.